The following is an entry in ClinVar:

NM_006904.7(PRKDC):c.304C>T (p.Pro102Ser)

Gene: PRKDC (protein kinase, DNA-activated, catalytic subunit; minus strand). Cytogenetic location: 8q11.21.
Variant type: single nucleotide variant.
Coding change: c.304C>T on transcript NM_006904.7 (MANE Select); coding-DNA position 304, C replaced by T.
Protein change: p.Pro102Ser; replaces proline 102 with serine.
Molecular consequence: missense variant.
Genome position (GRCh38, 1-based): chr8:47,957,191, G>A on the plus strand (C>T on the coding strand, the complement: PRKDC is on the minus strand). VCF-style: chr8-47957191-G-A. GRCh37 (hg19) VCF-style: chr8-48869751-G-A.
Other names: c.304C>T, p.Pro102Ser (NM_001081640.2); short protein forms P102S.
Identifiers: ClinVar variation 1799243 (VCV001799243.24), dbSNP rs1462849968, ClinGen allele CA371140897.
Genomic context (GRCh38, chr8:47,957,191, plus strand): 5'-TTGATATATAATGTAATAAGGTATGTTTTTTAATTCTTACCTTAATTTCAACAGAGTAAG[G>A]TGCGATCTTCTGGCCCATTTTTTCTAAGAAAATACATAAAAACTTTAGGATTTCTTCTCT-3'
Protein context (NP_008835.5, residues 92-112): FLEKMGQKIA[Pro102Ser]YSVEIKNTCT

ClinVar aggregate classification (germline): Uncertain significance. Review status: criteria provided, multiple submitters, no conflicts (2 of 4 stars). 2 submissions from 2 submitters: Uncertain significance (2). Last evaluated 2024-01-01.

Allele frequency attached by ClinVar (database versions not stated): gnomAD exomes below 0.00001.

Submissions (2):

CeGaT Center for Human Genetics Tuebingen
Classification: Uncertain significance. Last evaluated: 2024-01-01. Review status: criteria provided, single submitter. Criteria: CeGaT Center For Human Genetics Tuebingen Variant Classification Criteria Version 2. Collection method: clinical testing. Allele origin: germline. Affected: yes. Observed: 1 variant allele.
Comment: PRKDC: PM2, BP4

Ambry Genetics
Classification: Uncertain significance. Last evaluated: 2021-06-21. Review status: criteria provided, single submitter. Criteria: Ambry Variant Classification Scheme 2023. Collection method: clinical testing. Allele origin: germline.
Comment: The p.P102S variant (also known as c.304C>T), located in coding exon 3 of the PRKDC gene, results from a C to T substitution at nucleotide position 304. The proline at codon 102 is replaced by serine, an amino acid with similar properties. This amino acid position is conserved. In addition, this alteration is predicted to be tolerated by in silico analysis. Since supporting evidence is limited at this time, the clinical significance of this alteration remains unclear.